The following is an entry in ClinVar:

NM_001377.3(DYNC2H1):c.5534del (p.Leu1845fs)

Gene: DYNC2H1 (dynein cytoplasmic 2 heavy chain 1; plus strand). Cytogenetic location: 11q22.3.
Variant type: Deletion.
Coding change: c.5534del on transcript NM_001377.3 (MANE Select); coding-DNA position 5534, one base deleted (T; older notation c.5534delT).
Protein change: p.Leu1845fs; shifts the reading frame from leucine 1845.
Molecular consequence: frameshift variant.
Genome position (GRCh38, 1-based): chr11:103,173,281, T deleted; the last of 2 consecutive T bases (chr11:103,173,280-103,173,281); deleting either gives the same sequence. VCF-style (leftmost placement, unchanged base first): chr11-103173279-AT-A. GRCh37 (hg19) VCF-style: chr11-103044008-AT-A.
Other names: c.5534del, p.Leu1845fs (NM_001080463.2); short protein forms L1845fs.
Identifiers: ClinVar variation 4280109 (VCV004280109.2).

ClinVar aggregate classification (germline): Pathogenic. Review status: criteria provided, multiple submitters, no conflicts (2 of 4 stars). 2 submissions from 2 submitters: Pathogenic (2). Last evaluated 2025-08-12.

Conditions:
Asphyxiating thoracic dystrophy 3. Also called: SHORT-RIB THORACIC DYSPLASIA 3 WITH OR WITHOUT POLYDACTYLY; POLYDACTYLY WITH NEONATAL CHONDRODYSTROPHY, TYPE I; SHORT-RIB THORACIC DYSPLASIA 3/6 WITH POLYDACTYLY, DIGENIC; Short rib polydactyly syndrome 2B; Saldino-Noonan Syndrome. Identifiers: Orphanet 474, Orphanet 93269, Orphanet 93270, Orphanet 93271, MedGen C0036069, MONDO:0013127, OMIM 613091.
Arrhythmogenic right ventricular dysplasia 10. Also called: Arrhythmogenic Right Ventricular Dysplasia/Cardiomyopathy10; ARRHYTHMOGENIC RIGHT VENTRICULAR DYSPLASIA, FAMILIAL, 10; Arrhythmogenic right ventricular dysplasia/cardiomyopathy, type 10. Identifiers: MedGen C1857777, MONDO:0012434, OMIM 610193.

Submissions (2):

Myriad Genetics, Inc.
Classification: Pathogenic for Asphyxiating thoracic dystrophy 3. Last evaluated: 2025-08-12. Review status: criteria provided, single submitter. Criteria: Myriad Autosomal Dominant, Autosomal Recessive and X-Linked Classification Criteria (2023). Collection method: clinical testing. Allele origin: unknown.
Comment: NM_001377.2(DYNC2H1):c.5534delT(L1845Wfs*2) is expected to be pathogenic in the context of DYNC2H1-related disorders. This variant is predicted to lead to an abnormal or absent protein product due to the creation of a premature termination codon in DYNC2H1, a gene where loss-of-function variants are known to be pathogenic. Please note: this variant was assessed in the context of healthy population screening.

Johns Hopkins Genomics, Johns Hopkins University
Classification: Pathogenic for Arrhythmogenic right ventricular dysplasia 10. Last evaluated: 2024-11-21. Review status: criteria provided, single submitter. Criteria: ACMG Guidelines, 2015. Collection method: clinical testing. Allele origin: germline.
Comment: This DYNC2H1 variant is absent from a large population dataset and has not been reported in ClinVar nor the literature, to our knowledge. This frameshift variant in exon 35 of 90 is predicted to result in a premature termination codon (PTC) likely leading to nonsense-mediated decay and lack of protein production. This variant has been detected on the opposite chromosome (in trans) of a pathogenic DYNC2H1 variant. We consider c.5534del (p.Leu1845fs) to be pathogenic for autosomal recessive short-rib thoracic dysplasia-3.

Literature cited by the submitters: PubMed 23456818 (cited by Johns Hopkins Genomics, Johns Hopkins University).